The following is an entry in ClinVar:

NM_000430.4(PAFAH1B1):c.661G>A (p.Val221Met)

Gene: PAFAH1B1 (platelet activating factor acetylhydrolase 1b regulatory subunit 1; plus strand). Cytogenetic location: 17p13.3.
Variant type: single nucleotide variant.
Coding change: c.661G>A on transcript NM_000430.4 (MANE Select); coding-DNA position 661, G replaced by A.
Protein change: p.Val221Met; replaces valine 221 with methionine.
Molecular consequence: missense variant.
Genome position (GRCh38, 1-based): chr17:2,672,747, G>A. VCF-style: chr17-2672747-G-A. GRCh37 (hg19) VCF-style: chr17-2576041-G-A.
Other names: short protein forms V221M.
Identifiers: ClinVar variation 931348 (VCV000931348.31), dbSNP rs1262666760, ClinGen allele CA397641516.

ClinVar aggregate classification (germline): Conflicting classifications of pathogenicity. Review status: criteria provided, conflicting classifications (1 of 4 stars). 3 submissions from 3 submitters: Likely pathogenic (1); Uncertain significance (2). Last evaluated 2024-06-01.

Conditions:
Lissencephaly due to LIS1 mutation (LIS1). Also called: Isolated Lissencephaly Sequence; PAFAH1B1-Related Lissencephaly/Subcortical Band Heterotopia; PAFAH1B1-Associated Lissencephaly/Subcortical Band Heterotopia. Identifiers: Orphanet 95232, MedGen C4749301, MONDO:0011830, OMIM 607432.

Allele frequency attached by ClinVar (database versions not stated): gnomAD exomes below 0.00001.
gnomAD v4.1: 5 of 1,603,498 alleles (0.00031%); highest among the groups gnomAD compares: Non-Finnish European, 0.00043%; no homozygotes.

Submissions (3):

CeGaT Center for Human Genetics Tuebingen
Classification: Uncertain significance. Last evaluated: 2024-06-01. Review status: criteria provided, single submitter. Criteria: CeGaT Center For Human Genetics Tuebingen Variant Classification Criteria Version 2. Collection method: clinical testing. Allele origin: germline. Affected: yes. Observed: 2 variant alleles.
Comment: PAFAH1B1: PM2, PP2, PS4:Supporting

Labcorp Genetics (formerly Invitae), Labcorp
Classification: Uncertain significance. Last evaluated: 2023-10-16. Review status: criteria provided, single submitter. Criteria: Invitae Variant Classification Sherloc (09022015). Collection method: clinical testing. Allele origin: germline.
Comment: This sequence change replaces valine, which is neutral and non-polar, with methionine, which is neutral and non-polar, at codon 221 of the PAFAH1B1 protein (p.Val221Met). This variant is present in population databases (no rsID available, gnomAD 0.0009%). This variant has not been reported in the literature in individuals affected with PAFAH1B1-related conditions. ClinVar contains an entry for this variant (Variation ID: 931348). An algorithm developed to predict the effect of missense changes on protein structure and function (PolyPhen-2) suggests that this variant is likely to be tolerated. In summary, the available evidence is currently insufficient to determine the role of this variant in disease. Therefore, it has been classified as a Variant of Uncertain Significance.

Centre for Mendelian Genomics, University Medical Centre Ljubljana
Classification: Likely pathogenic for Lissencephaly due to LIS1 mutation. Last evaluated: 2020-03-25. Review status: criteria provided, single submitter. Criteria: ACMG Guidelines, 2015. Collection method: clinical testing. Allele origin: unknown. Affected: yes.
Comment: This variant was classified as: Likely pathogenic. The following ACMG criteria were applied in classifying this variant: PS3_Mod,PM1,PM2,PP3.